The following is an entry in ClinVar:

NM_003139.4(SRPRA):c.114G>A (p.Leu38=)

Gene: SRPRA (SRP receptor subunit alpha; minus strand). Cytogenetic location: 11q24.2.
Variant type: single nucleotide variant.
Coding change: c.114G>A on transcript NM_003139.4 (MANE Select); coding-DNA position 114, G replaced by A.
Protein change: p.Leu38=; no amino-acid change (leucine 38 retained).
Molecular consequence: synonymous variant.
Genome position (GRCh38, 1-based): chr11:126,268,691, C>T on the plus strand (G>A on the coding strand, the complement: SRPRA is on the minus strand). VCF-style: chr11-126268691-C-T. GRCh37 (hg19) VCF-style: chr11-126138586-C-T.
Other names: c.114G>A, p.Leu38= (NM_001177842.2).
Identifiers: ClinVar variation 4977873 (VCV004977873.1).

ClinVar aggregate classification (germline): Likely benign (1 of 4 stars; one submission).

Conditions:
SRPRA-related disorder. Also called: SRPRA-related condition.

gnomAD v4.1: 217 of 1,613,080 alleles (0.013%); highest among the groups gnomAD compares: Admixed American, 0.02%; no homozygotes.

Submission:

PreventionGenetics, part of Exact Sciences
Classification: Likely benign for SRPRA-related condition. Last evaluated: 2026-04-22. Review status: criteria provided, single submitter. Criteria: ACMG Guidelines, 2015. Collection method: clinical testing. Allele origin: germline.
Comment: This variant is classified as likely benign based on ACMG/AMP sequence variant interpretation guidelines (Richards et al. 2015 PMID: 25741868, with internal and published modifications).